The following is an entry in ClinVar:

ClinVar aggregate classification (germline): Pathogenic. Review status: criteria provided, multiple submitters, no conflicts (2 of 4 stars). 10 submissions from 10 submitters: Pathogenic (9). 1 of the submissions does not count toward it. Last evaluated 2026-01-13.

Conditions:
FAH-related disorder. Also called: FAH-related condition.
FAH-related disorders.
Tyrosinemia type I (TYRSN1). Also called: Deficiency of fumarylacetoacetase; HEPATORENAL TYROSINEMIA; FAH DEFICIENCY; Tyrosinemia type 1; Fumarylacetoacetase deficiency. Identifiers: Orphanet 882, MedGen C0268490, MONDO:0010161, OMIM 276700. Disease mechanism: loss of function.

Allele frequency attached by ClinVar (database versions not stated): ExAC 0.00002; gnomAD exomes 0.00003 and 0.00009; TOPMed 0.00007; gnomAD 0.00008.

Submissions (10):

Labcorp Genetics (formerly Invitae), Labcorp
Classification: Pathogenic for Tyrosinemia type I. Last evaluated: 2026-01-13. Review status: criteria provided, single submitter. Criteria: Invitae Variant Classification Sherloc (09022015). Collection method: clinical testing. Allele origin: germline.
Comment: This sequence change creates a premature translational stop signal (p.Glu357*) in the FAH gene. It is expected to result in an absent or disrupted protein product. Loss-of-function variants in FAH are known to be pathogenic (PMID: 9101289, 9633815). This variant is present in population databases (rs121965075, gnomAD 0.006%). This premature translational stop signal has been observed in individual(s) with tyrosinemia type I (PMID: 8318997). ClinVar contains an entry for this variant (Variation ID: 11871). For these reasons, this variant has been classified as Pathogenic.

Natera, Inc.
Classification: Pathogenic for Tyrosinemia type I. Last evaluated: 2025-09-26. Review status: criteria provided, single submitter. Criteria: Natera Variant Classification Schema (03/2026). Collection method: clinical testing. Allele origin: germline.
Comment: The c.1069G>T variant in FAH is a nonsense variant predicted to introduce a stop codon at amino acid 357. This variant is expected to result in nonsense mediated decay, truncation, or a dysfunctional protein product. This variant is rare in the general population with a frequency below the threshold expected for the associated phenotype(s). This variant has been observed in one or more individuals affected with the associated recessive disease, as either homozygous or compound heterozygous with a second variant (PMID: 7757089, 8557261). Given the available evidence, this variant is classified as Pathogenic.

Mayo Clinic Laboratories, Mayo Clinic
Classification: Pathogenic. Last evaluated: 2025-01-20. Review status: criteria provided, single submitter. Criteria: ACMG Guidelines, 2015. Collection method: clinical testing. Allele origin: germline. Observed: 1 variant allele.
Comment: PP4, PM2_supporting, PM3_strong, PS4_moderate, PVS1

PreventionGenetics, part of Exact Sciences
Classification: Pathogenic for FAH-related condition. Last evaluated: 2025-01-03. Review status: criteria provided, single submitter. Criteria: ACMG Guidelines, 2015. Collection method: clinical testing. Allele origin: germline.
Comment: The FAH c.1069G>T variant is predicted to result in premature protein termination (p.Glu357*). This variant has been commonly reported as causative for tyrosinemia type I (see for example, Grompe et al. 1993. PubMed ID: 8318997; Bliksrud et al. 2012. PubMed ID: 22554029; Angileri et al. 2015. PubMed ID: 25681080). This variant is reported in 0.0070% of alleles in individuals of European (non-Finnish) descent in gnomAD. Nonsense variants in FAH are expected to be pathogenic. This variant is consistently interpreted as pathogenic in ClinVar. This variant is interpreted as pathogenic.

Blueprint Genetics
Classification: Pathogenic for FAH-related disorders. Last evaluated: 2024-06-20. Review status: criteria provided, single submitter. Criteria: ACMG Guidelines, 2015. Collection method: clinical testing. Allele origin: germline. Affected: yes. Observed: 5 variant alleles.

GeneDx
Classification: Pathogenic. Last evaluated: 2022-09-16. Review status: criteria provided, single submitter. Criteria: GeneDx Variant Classification Process June 2021. Collection method: clinical testing. Allele origin: germline. Affected: yes.
Comment: Nonsense variant predicted to result in protein truncation or nonsense mediated decay in a gene for which loss of function is a known mechanism of disease; Not observed at significant frequency in large population cohorts (gnomAD); This variant is associated with the following publications: (PMID: 9633815, 8318997, 8557261, 7929843, 15638932, 22975760, 25525159, 7757089, 26689913, 27415407, 22554029, 29625052, 8076937)

Myriad Genetics, Inc.
Classification: Pathogenic for Tyrosinemia type I. Last evaluated: 2019-12-09. Review status: criteria provided, single submitter. Criteria: Myriad Women's Health Autosomal Recessive and X-Linked Classification Criteria (2019). Collection method: clinical testing. Allele origin: unknown.
Comment: NM_000137.2(FAH):c.1069G>T(E357*) is classified as pathogenic in the context of tyrosinemia type I. Sources cited for classification include the following: PMID 8028615, 7929843, 7757089, 8076937, 15638932, 8557261 and 8318997. Classification of NM_000137.2(FAH):c.1069G>T(E357*) is based on the following criteria: The variant causes a premature termination codon that is expected to be targeted by nonsense-mediated mRNA decay and is reported in individuals with the relevant phenotype. Please note: this variant was assessed in the context of healthy population screening.

Laboratory for Molecular Medicine, Mass General Brigham Personalized Medicine
Classification: Pathogenic for Tyrosinemia type I. Last evaluated: 2018-12-26. Review status: criteria provided, single submitter. Criteria: LMM Criteria. Collection method: clinical testing. Allele origin: germline. Inheritance: Autosomal recessive inheritance. Observed: 1 variant allele.
Comment: The p.Glu357X variant in FAH has been reported in at least two compound heterozy gous individuals with Tyrosinemia type 1 (Grompe 1993, Kvittingen 1994, Ploos va n Amstel 1996). Sequencing of a patient mRNA showed a loss of expression of the transcript with this variant (Ploos van Amstel 1996). This variant has been iden tified in 9/129178 European chromosomes by the Genome Aggregation Database (gnom AD) and reported in ClinVar (Variation ID: 118 71). This nonsense variant leads to a premature termination codon at position 35 7, which is predicted to lead to a truncated or absent protein. Biallelic loss o f function of the FAH gene is an established disease mechanism in Tyrosinemia Ty pe 1. In summary, this variant meets criteria to be classified as pathogenic for Tyrosinemia Type 1 in an autosomal recessive manner based upon presence in affe cted individuals, low frequency in controls, and the predicted impact to the pro tein. ACMG/AMP criteria applied: PVS1, PM3_Strong, PM2, PS3_Supporting.

Women's Health and Genetics/Laboratory Corporation of America, LabCorp
Classification: Pathogenic for Tyrosinemia type I. Last evaluated: 2016-11-03. Review status: criteria provided, single submitter. Criteria: LabCorp Variant Classification Summary - May 2015. Collection method: clinical testing. Allele origin: germline.
Comment: Variant summary: The FAH c.1069G>T (p.Glu357X) variant results in a premature termination codon, predicted to cause a truncated or absent FAH protein due to nonsense mediated decay, which are commonly known mechanisms for disease. One in silico tool predicts a damaging outcome for this variant. This variant was found in 3/121286 control chromosomes at a frequency of 0.0000247, which does not exceed the estimated maximal expected allele frequency of a pathogenic FAH variant (0.0025). The variant has been reported in numerous affected indiivduals in the literature. In addition, one databases classified this variant as pathogenic. Taken together, this variant is classified as pathogenic.

OMIM
Classification: Pathogenic for TYROSINEMIA, TYPE I. Last evaluated: 1993-01-01. Review status: no assertion criteria provided. Collection method: literature only. Allele origin: germline. Not counted in ClinVar's aggregate classification.

Literature cited by the submitters: PubMed 9101289 (cited by Labcorp Genetics (formerly Invitae), Labcorp); PubMed 9633815 (cited by Labcorp Genetics (formerly Invitae), Labcorp and Mayo Clinic Laboratories, Mayo Clinic); PubMed 8318997 (cited by 5 submitters); PubMed 7757089 (cited by 3 submitters); PubMed 8557261 (cited by 3 submitters); PubMed 15638932 (cited by 3 submitters); PubMed 25681080 (cited by Mayo Clinic Laboratories, Mayo Clinic and Women's Health and Genetics/Laboratory Corporation of America, LabCorp); PubMed 7929843 (cited by 3 submitters); PubMed 8028615 (cited by 3 submitters); PubMed 8076937 (cited by Myriad Genetics, Inc.); PubMed 22975760 (cited by Laboratory for Molecular Medicine, Mass General Brigham Personalized Medicine).

NM_000137.4(FAH):c.1069G>T (p.Glu357Ter)

Gene: FAH (fumarylacetoacetate hydrolase; plus strand). Cytogenetic location: 15q25.1.
Variant type: single nucleotide variant.
Coding change: c.1069G>T on transcript NM_000137.4 (MANE Select); coding-DNA position 1069, G replaced by T.
Protein change: p.Glu357Ter; replaces glutamic acid 357 with a stop codon.
Molecular consequence: nonsense.
Genome position (GRCh38, 1-based): chr15:80,181,048, G>T. VCF-style: chr15-80181048-G-T. GRCh37 (hg19) VCF-style: chr15-80473390-G-T.
Other names: p.Glu357X; p.Glu357*; c.1069G>T, p.Glu357Ter (NM_001374377.1, NM_001374380.1); short protein forms E357*.
Identifiers: ClinVar variation 11871 (VCV000011871.29), dbSNP rs121965075, ClinGen allele CA256103.